The following is an entry in ClinVar:

NM_022168.4(IFIH1):c.116C>T (p.Pro39Leu)

Gene: IFIH1 (interferon induced with helicase C domain 1; minus strand). Cytogenetic location: 2q24.2.
Variant type: single nucleotide variant.
Coding change: c.116C>T on transcript NM_022168.4 (MANE Select); coding-DNA position 116, C replaced by T.
Protein change: p.Pro39Leu; replaces proline 39 with leucine.
Molecular consequence: missense variant.
Genome position (GRCh38, 1-based): chr2:162,318,192, G>A on the plus strand (C>T on the coding strand, the complement: IFIH1 is on the minus strand). VCF-style: chr2-162318192-G-A. GRCh37 (hg19) VCF-style: chr2-163174702-G-A.
Other names: short protein forms P39L.
Identifiers: ClinVar variation 5016696 (VCV005016696.1).

ClinVar aggregate classification (germline): Uncertain significance (1 of 4 stars; one submission).

gnomAD v4.1: 1 of 1,614,190 alleles (0.000062%); highest among the groups gnomAD compares: Non-Finnish European, 0.000085%; no homozygotes.

Submission:

GeneDx
Classification: Uncertain significance. Last evaluated: 2026-04-08. Review status: criteria provided, single submitter. Criteria: GeneDx Variant Classification Process June 2021. Collection method: clinical testing. Allele origin: germline.
Comment: Not observed at significant frequency in large population cohorts (gnomAD); In silico analysis suggests that this missense variant does not alter protein structure/function; Has not been previously published as pathogenic or benign to our knowledge